The following is an entry in ClinVar:

NM_000548.5(TSC2):c.1880A>G (p.His627Arg)

Gene: TSC2 (TSC complex subunit 2; plus strand). Cytogenetic location: 16p13.3.
Variant type: single nucleotide variant.
Coding change: c.1880A>G on transcript NM_000548.5 (MANE Select); coding-DNA position 1880, A replaced by G.
Protein change: p.His627Arg; replaces histidine 627 with arginine.
Molecular consequence: missense variant.
Genome position (GRCh38, 1-based): chr16:2,071,550, A>G. VCF-style: chr16-2071550-A-G. GRCh37 (hg19) VCF-style: chr16-2121551-A-G.
Other names: c.1880A>G (NM_000548.3); c.1880A>G, p.His627Arg (NM_001077183.3, NM_001114382.3, NM_001363528.2 and 3 more transcripts); c.1769A>G, p.His590Arg (NM_001318827.2); c.1733A>G, p.His578Arg (NM_001318829.2); c.1280A>G, p.His427Arg (NM_001318831.2); c.1913A>G, p.His638Arg (NM_001318832.2); short protein forms H638R, H427R, H590R, H627R, H578R.
Identifiers: ClinVar variation 1038821 (VCV001038821.10), dbSNP rs2088392295, ClinGen allele CA394273103.

ClinVar aggregate classification (germline): Uncertain significance. Review status: criteria provided, multiple submitters, no conflicts (2 of 4 stars). 2 submissions from 2 submitters: Uncertain significance (2). Last evaluated 2025-01-30.

Conditions:
Tuberous sclerosis 2 (TSC2). Identifiers: Orphanet 805, MedGen C1860707, MONDO:0013199, OMIM 613254.
Hereditary cancer-predisposing syndrome. Also called: Neoplastic Syndromes, Hereditary; Hereditary Cancer Syndrome; Tumor predisposition; Hereditary neoplastic syndrome. Identifiers: Orphanet 140162, MedGen C0027672, MeSH D009386, MONDO:0015356.

Allele frequency attached by ClinVar (database versions not stated): gnomAD exomes below 0.00001.
gnomAD v4.1: 1 of 1,613,456 alleles (0.000062%); highest among the groups gnomAD compares: Non-Finnish European, 0.000085%; no homozygotes.

Submissions (2):

Ambry Genetics
Classification: Uncertain significance for Hereditary cancer-predisposing syndrome. Last evaluated: 2025-01-30. Review status: criteria provided, single submitter. Criteria: Ambry Variant Classification Scheme 2023. Collection method: clinical testing. Allele origin: germline.
Comment: The p.H627R variant (also known as c.1880A>G), located in coding exon 17 of the TSC2 gene, results from an A to G substitution at nucleotide position 1880. The histidine at codon 627 is replaced by arginine, an amino acid with highly similar properties. This amino acid position is well conserved in available vertebrate species. In addition, the in silico prediction for this alteration is inconclusive. Based on the available evidence, the clinical significance of this variant remains unclear.

Labcorp Genetics (formerly Invitae), Labcorp
Classification: Uncertain significance for Tuberous sclerosis 2. Last evaluated: 2022-12-08. Review status: criteria provided, single submitter. Criteria: Invitae Variant Classification Sherloc (09022015). Collection method: clinical testing. Allele origin: germline.
Comment: This variant has not been reported in the literature in individuals affected with TSC2-related conditions. In summary, the available evidence is currently insufficient to determine the role of this variant in disease. Therefore, it has been classified as a Variant of Uncertain Significance. Advanced modeling of protein sequence and biophysical properties (such as structural, functional, and spatial information, amino acid conservation, physicochemical variation, residue mobility, and thermodynamic stability) performed at Invitae indicates that this missense variant is not expected to disrupt TSC2 protein function. ClinVar contains an entry for this variant (Variation ID: 1038821). This variant is not present in population databases (gnomAD no frequency). This sequence change replaces histidine, which is basic and polar, with arginine, which is basic and polar, at codon 627 of the TSC2 protein (p.His627Arg).